The following is an entry in ClinVar:

ClinVar aggregate classification (germline): Uncertain significance. Review status: criteria provided, multiple submitters, no conflicts (2 of 4 stars). 3 submissions from 3 submitters: Uncertain significance (3). Last evaluated 2025-08-21.

Conditions:
Inborn genetic diseases. Identifiers: MedGen C0950123, MeSH D030342.

Allele frequency attached by ClinVar (database versions not stated): TOPMed 0.00007; ExAC 0.00008; ESP Exome Variant Server 0.00008; gnomAD 0.00008 and 0.00009; gnomAD exomes 0.00008 and 0.00016.
gnomAD v4.1: 251 of 1,613,652 alleles (0.016%); highest among the groups gnomAD compares: Non-Finnish European, 0.019%; no homozygotes.

Submissions (3):

Ambry Genetics
Classification: Uncertain significance for Inborn genetic diseases. Last evaluated: 2025-08-21. Review status: criteria provided, single submitter. Criteria: Ambry Variant Classification Scheme 2023. Collection method: clinical testing. Allele origin: germline.

Women's Health and Genetics/Laboratory Corporation of America, LabCorp
Classification: Uncertain significance. Last evaluated: 2023-08-10. Review status: criteria provided, single submitter. Criteria: LabCorp Variant Classification Summary - May 2015. Collection method: clinical testing. Allele origin: germline.
Comment: Variant summary: TMEM38B c.818A>G (p.Lys273Arg) results in a conservative amino acid change in the encoded protein sequence. Five of five in-silico tools predict a benign effect of the variant on protein function. The variant allele was found at a frequency of 8.4e-05 in 251216 control chromosomes (gnomAD). This frequency is not significantly higher than estimated for a pathogenic variant in TMEM38B causing Osteogenesis Imperfecta (8.4e-05 vs 0.0011), allowing no conclusion about variant significance. To our knowledge, no occurrence of c.818A>G in individuals affected with Osteogenesis Imperfecta and no experimental evidence demonstrating its impact on protein function have been reported. Two submitters have cited clinical-significance assessments for this variant to ClinVar after 2014. Both submitters classified the variant as uncertain significance. Based on the evidence outlined above, the variant was classified as uncertain significance.

Labcorp Genetics (formerly Invitae), Labcorp
Classification: Uncertain significance. Last evaluated: 2022-09-27. Review status: criteria provided, single submitter. Criteria: Invitae Variant Classification Sherloc (09022015). Collection method: clinical testing. Allele origin: germline.
Comment: This sequence change replaces lysine, which is basic and polar, with arginine, which is basic and polar, at codon 273 of the TMEM38B protein (p.Lys273Arg). This variant is present in population databases (rs146026425, gnomAD 0.02%). This variant has not been reported in the literature in individuals affected with TMEM38B-related conditions. ClinVar contains an entry for this variant (Variation ID: 1407604). Algorithms developed to predict the effect of missense changes on protein structure and function (SIFT, PolyPhen-2, Align-GVGD) all suggest that this variant is likely to be tolerated. Algorithms developed to predict the effect of sequence changes on RNA splicing suggest that this variant may create or strengthen a splice site. In summary, the available evidence is currently insufficient to determine the role of this variant in disease. Therefore, it has been classified as a Variant of Uncertain Significance.

NM_018112.3(TMEM38B):c.818A>G (p.Lys273Arg)

Gene: TMEM38B (transmembrane protein 38B; plus strand). Cytogenetic location: 9q31.2.
Variant type: single nucleotide variant.
Coding change: c.818A>G on transcript NM_018112.3 (MANE Select); coding-DNA position 818, A replaced by G.
Protein change: p.Lys273Arg; replaces lysine 273 with arginine.
Molecular consequence: missense variant.
Genome position (GRCh38, 1-based): chr9:105,774,022, A>G. VCF-style: chr9-105774022-A-G. GRCh37 (hg19) VCF-style: chr9-108536303-A-G.
Other names: c.818A>G (NM_018112.2, NM_018112.1); short protein forms K273R.
Identifiers: ClinVar variation 1407604 (VCV001407604.8), dbSNP rs146026425, ClinGen allele CA5171019.